The following is an entry in ClinVar:

NM_005422.4(TECTA):c.4507_4533dup (p.Phe1511_Val1512insLeuArgPheProAlaAsnCysAlaPhe)

Genes: TBCEL-TECTA (TBCEL-TECTA readthrough; plus strand), TECTA (tectorin alpha; plus strand). Cytogenetic location: 11q23.3.
Variant type: Duplication.
Coding change: c.4507_4533dup on transcript NM_005422.4 (MANE Select); coding-DNA positions 4507 to 4533, 27 bases duplicated (CTGCGCTTCCCAGCCAACTGCGCCTTC).
Protein change: p.Phe1511_Val1512insLeuArgPheProAlaAsnCysAlaPhe.
Genome position (GRCh38, 1-based): chr11:121,158,042-121,158,068, CTGCGCTTCCCAGCCAACTGCGCCTTC duplicated; duplicating any 27 consecutive bases within chr11:121,158,034-121,158,068 gives the same sequence; the c. name uses the placement nearest the transcript's 3' end. VCF-style (leftmost placement, unchanged base first): chr11-121158033-G-GGCGCCTTCCTGCGCTTCCCAGCCAACT. GRCh37 (hg19) VCF-style: chr11-121028742-G-GGCGCCTTCCTGCGCTTCCCAGCCAACT.
Other names: c.5464_5490dup, p.Phe1830_Val1831insLeuArgPheProAlaAsnCysAlaPhe (NM_001378761.1).
Identifiers: ClinVar variation 3721800 (VCV003721800.2).

ClinVar aggregate classification (germline): Uncertain significance (1 of 4 stars; one submission).

Submission:

Labcorp Genetics (formerly Invitae), Labcorp
Classification: Uncertain significance. Last evaluated: 2024-09-29. Review status: criteria provided, single submitter. Criteria: Invitae Variant Classification Sherloc (09022015). Collection method: clinical testing. Allele origin: germline.
Comment: This variant, c.4507_4533dup, results in the insertion of 9 amino acid(s) of the TECTA protein (p.Leu1503_Phe1511dup), but otherwise preserves the integrity of the reading frame. This variant is not present in population databases (gnomAD no frequency). This variant has not been reported in the literature in individuals affected with TECTA-related conditions. In summary, the available evidence is currently insufficient to determine the role of this variant in disease. Therefore, it has been classified as a Variant of Uncertain Significance.